The following is an entry in ClinVar:

ClinVar aggregate classification (germline): Uncertain significance (1 of 4 stars; one submission).

Conditions:
Hereditary pheochromocytoma and paraganglioma. Also called: Hereditary pheochromocytoma-paraganglioma; Hereditary Paraganglioma-Pheochromocytoma Syndromes; Hereditary paragangliomas and pheochromocytomas. Identifiers: Orphanet 29072, MedGen C4274332, MONDO:0017366.

Submission:

Labcorp Genetics (formerly Invitae), Labcorp
Classification: Uncertain significance for Hereditary pheochromocytoma and paraganglioma. Last evaluated: 2021-10-08. Review status: criteria provided, single submitter. Criteria: Invitae Variant Classification Sherloc (09022015). Collection method: clinical testing. Allele origin: germline.
Comment: Algorithms developed to predict the effect of missense changes on protein structure and function (SIFT, PolyPhen-2, Align-GVGD) all suggest that this variant is likely to be tolerated. In summary, the available evidence is currently insufficient to determine the role of this variant in disease. Therefore, it has been classified as a Variant of Uncertain Significance. This variant has not been reported in the literature in individuals affected with TMEM127-related conditions. This variant is not present in population databases (ExAC no frequency). This sequence change replaces cysteine with phenylalanine at codon 45 of the TMEM127 protein (p.Cys45Phe). The cysteine residue is highly conserved and there is a large physicochemical difference between cysteine and phenylalanine.

NM_017849.4(TMEM127):c.134G>T (p.Cys45Phe)

Gene: TMEM127 (transmembrane protein 127; minus strand). Cytogenetic location: 2q11.2.
Variant type: single nucleotide variant.
Coding change: c.134G>T on transcript NM_017849.4 (MANE Select); coding-DNA position 134, G replaced by T.
Protein change: p.Cys45Phe; replaces cysteine 45 with phenylalanine.
Molecular consequence: missense variant.
Genome position (GRCh38, 1-based): chr2:96,265,248, C>A on the plus strand (G>T on the coding strand, the complement: TMEM127 is on the minus strand). VCF-style: chr2-96265248-C-A. GRCh37 (hg19) VCF-style: chr2-96930986-C-A.
Other names: c.134G>T, p.Cys45Phe (NM_001193304.3); short protein forms C45F.
Identifiers: ClinVar variation 1014235 (VCV001014235.6), dbSNP rs1684391872, ClinGen allele CA347656048.